The following is an entry in ClinVar:

ClinVar aggregate classification (germline): Uncertain significance. Review status: criteria provided, multiple submitters, no conflicts (2 of 4 stars). 2 submissions from 2 submitters: Uncertain significance (2). Last evaluated 2025-11-29.

gnomAD v4.1: 12 of 1,613,040 alleles (0.00074%); highest among the groups gnomAD compares: Admixed American, 0.0083%; no homozygotes.

Submissions (2):

Labcorp Genetics (formerly Invitae), Labcorp
Classification: Uncertain significance. Last evaluated: 2025-11-29. Review status: criteria provided, single submitter. Criteria: Invitae Variant Classification Sherloc (09022015). Collection method: clinical testing. Allele origin: germline.
Comment: This sequence change replaces threonine, which is neutral and polar, with isoleucine, which is neutral and non-polar, at codon 674 of the KANK4 protein (p.Thr674Ile). This variant is present in population databases (no rsID available, gnomAD 0.009%). This variant has not been reported in the literature in individuals affected with KANK4-related conditions. ClinVar contains an entry for this variant (Variation ID: 3531722). An algorithm developed to predict the effect of missense changes on protein structure and function (PolyPhen-2) suggests that this variant is likely to be disruptive. In summary, the available evidence is currently insufficient to determine the role of this variant in disease. Therefore, it has been classified as a Variant of Uncertain Significance.

Ambry Genetics
Classification: Uncertain significance. Last evaluated: 2024-09-02. Review status: criteria provided, single submitter. Criteria: Ambry Variant Classification Scheme 2023. Collection method: clinical testing. Allele origin: germline.

NM_181712.5(KANK4):c.2021C>T (p.Thr674Ile)

Gene: KANK4 (KN motif and ankyrin repeat domains 4; minus strand). Cytogenetic location: 1p31.3.
Variant type: single nucleotide variant.
Coding change: c.2021C>T on transcript NM_181712.5 (MANE Select); coding-DNA position 2021, C replaced by T.
Protein change: p.Thr674Ile; replaces threonine 674 with isoleucine.
Molecular consequence: missense variant.
Genome position (GRCh38, 1-based): chr1:62,268,497, G>A on the plus strand (C>T on the coding strand, the complement: KANK4 is on the minus strand). VCF-style: chr1-62268497-G-A. GRCh37 (hg19) VCF-style: chr1-62734169-G-A.
Other names: c.137C>T, p.Thr46Ile (NM_001320269.2); short protein forms T46I, T674I.
Identifiers: ClinVar variation 3531722 (VCV003531722.2).
Genomic context (GRCh38, chr1:62,268,497, plus strand): 5'-TCGCTGTCAGACAAGTCCTCTGGGGTGCTGTCCTCACCGCTGGTCTCCTCACTTGAGGTG[G>A]TCTCATACCTGGGGTAGAAAACAAAGGTCACTCGTCCTGTCTTTCCTGCCCAGTGCCCAT-3'
Protein context (NP_859063.3, residues 664-684): QFVGVNGGYE[Thr674Ile]TSSEETSGED